The following is an entry in ClinVar:

NM_016604.4(KDM3B):c.3425G>A (p.Gly1142Glu)

Gene: KDM3B (lysine demethylase 3B; plus strand). Cytogenetic location: 5q31.2.
Variant type: single nucleotide variant.
Coding change: c.3425G>A on transcript NM_016604.4 (MANE Select); coding-DNA position 3425, G replaced by A.
Protein change: p.Gly1142Glu; replaces glycine 1142 with glutamic acid.
Molecular consequence: missense variant.
Genome position (GRCh38, 1-based): chr5:138,417,600, G>A. VCF-style: chr5-138417600-G-A. GRCh37 (hg19) VCF-style: chr5-137753289-G-A.
Other names: short protein forms G1142E.
Identifiers: ClinVar variation 3378250 (VCV003378250.1).
Genomic context (GRCh38, chr5:138,417,600, plus strand): 5'-CAAACTGCCCTTGTATCAGTCGACAGAACAAATCTGTATTGAGACCTGCCGTCACCAATG[G>A]GATGTCACAGGTAAACTGGTGTGTGTGGGTATAACTAAGTGAAGCCTAAATTTTTTTGTA-3'
Protein context (NP_057688.3, residues 1132-1152): KSVLRPAVTN[Gly1142Glu]MSQLPSINPS

ClinVar aggregate classification (germline): Uncertain significance (1 of 4 stars; one submission).

Submission:

GeneDx
Classification: Uncertain significance. Last evaluated: 2024-05-13. Review status: criteria provided, single submitter. Criteria: GeneDx Variant Classification Process June 2021. Collection method: clinical testing. Allele origin: germline. Affected: yes.
Comment: Not observed at significant frequency in large population cohorts (gnomAD); In silico analysis supports that this missense variant has a deleterious effect on protein structure/function; Has not been previously published as pathogenic or benign to our knowledge